The following is an entry in ClinVar:

NM_182914.3(SYNE2):c.8125T>A (p.Leu2709Met)

Gene: SYNE2 (spectrin repeat containing nuclear envelope protein 2; plus strand). Cytogenetic location: 14q23.2.
Variant type: single nucleotide variant.
Coding change: c.8125T>A on transcript NM_182914.3 (MANE Select); coding-DNA position 8125, T replaced by A.
Protein change: p.Leu2709Met; replaces leucine 2709 with methionine.
Molecular consequence: missense variant.
Genome position (GRCh38, 1-based): chr14:64,052,038, T>A. VCF-style: chr14-64052038-T-A. GRCh37 (hg19) VCF-style: chr14-64518756-T-A.
Other names: c.8125T>A, p.Leu2709Met (NM_015180.6); short protein forms L2709M.
Identifiers: ClinVar variation 2820170 (VCV002820170.3), dbSNP rs2548319569, ClinGen allele CA389964592.

ClinVar aggregate classification (germline): Uncertain significance (1 of 4 stars; one submission).

Conditions:
Emery-Dreifuss muscular dystrophy 5, autosomal dominant (EDMD5). Also called: EMERY-DREIFUSS MUSCULAR DYSTROPHY 5. Identifiers: Orphanet 261, MedGen C2751805, MONDO:0013072, OMIM 612999.

Submission:

Labcorp Genetics (formerly Invitae), Labcorp
Classification: Uncertain significance for Emery-Dreifuss muscular dystrophy 5, autosomal dominant. Last evaluated: 2022-12-11. Review status: criteria provided, single submitter. Criteria: Invitae Variant Classification Sherloc (09022015). Collection method: clinical testing. Allele origin: germline.
Comment: This sequence change replaces leucine, which is neutral and non-polar, with methionine, which is neutral and non-polar, at codon 2709 of the SYNE2 protein (p.Leu2709Met). This variant is not present in population databases (gnomAD no frequency). In summary, the available evidence is currently insufficient to determine the role of this variant in disease. Therefore, it has been classified as a Variant of Uncertain Significance. Algorithms developed to predict the effect of missense changes on protein structure and function are either unavailable or do not agree on the potential impact of this missense change (SIFT: "Deleterious"; PolyPhen-2: "Probably Damaging"; Align-GVGD: "Class C0"). This variant has not been reported in the literature in individuals affected with SYNE2-related conditions.